The following is an entry in ClinVar:

NM_006509.4(RELB):c.1688G>A (p.Arg563His)

Gene: RELB (RELB proto-oncogene, NF-kB subunit; plus strand). Cytogenetic location: 19q13.32.
Variant type: single nucleotide variant.
Coding change: c.1688G>A on transcript NM_006509.4 (MANE Select); coding-DNA position 1688, G replaced by A.
Protein change: p.Arg563His; replaces arginine 563 with histidine.
Molecular consequence: missense variant.
Genome position (GRCh38, 1-based): chr19:45,037,738, G>A. VCF-style: chr19-45037738-G-A. GRCh37 (hg19) VCF-style: chr19-45540996-G-A.
Other names: c.1679G>A, p.Arg560His (NM_001411087.1); short protein forms R560H, R563H.
Identifiers: ClinVar variation 3605096 (VCV003605096.2).

ClinVar aggregate classification (germline): Uncertain significance (1 of 4 stars; one submission).

Submission:

Labcorp Genetics (formerly Invitae), Labcorp
Classification: Uncertain significance. Last evaluated: 2024-07-23. Review status: criteria provided, single submitter. Criteria: Invitae Variant Classification Sherloc (09022015). Collection method: clinical testing. Allele origin: germline.
Comment: This sequence change replaces arginine, which is basic and polar, with histidine, which is basic and polar, at codon 563 of the RELB protein (p.Arg563His). The frequency data for this variant in the population databases is considered unreliable, as metrics indicate poor data quality at this position in the gnomAD database. This variant has not been reported in the literature in individuals affected with RELB-related conditions. An algorithm developed to predict the effect of missense changes on protein structure and function (PolyPhen-2) suggests that this variant is likely to be disruptive. In summary, the available evidence is currently insufficient to determine the role of this variant in disease. Therefore, it has been classified as a Variant of Uncertain Significance.